The following is an entry in ClinVar:

NM_000466.3(PEX1):c.1058T>A (p.Leu353Ter)

Gene: PEX1 (peroxisomal biogenesis factor 1; minus strand). Cytogenetic location: 7q21.2.
Variant type: single nucleotide variant.
Coding change: c.1058T>A on transcript NM_000466.3 (MANE Select); coding-DNA position 1058, T replaced by A.
Protein change: p.Leu353Ter; replaces leucine 353 with a stop codon.
Molecular consequence: nonsense.
Genome position (GRCh38, 1-based): chr7:92,517,457, A>T on the plus strand (T>A on the coding strand, the complement: PEX1 is on the minus strand). VCF-style: chr7-92517457-A-T. GRCh37 (hg19) VCF-style: chr7-92146771-A-T.
Other names: c.1058T>A, p.Leu353Ter (NM_001282677.2); c.434T>A, p.Leu145Ter (NM_001282678.2); short protein forms L145*, L353*.
Identifiers: ClinVar variation 4818377 (VCV004818377.1).

ClinVar aggregate classification (germline): Likely pathogenic (1 of 4 stars; one submission).

Conditions:
Zellweger spectrum disorders (ZS). Also called: Zellweger Spectrum Disorder (ZSD); Zellweger syndrome; Zellweger Spectrum Disorder; Zellweger Spectrum. Identifiers: Orphanet 912, MedGen C0043459, MONDO:0019609.

Submission:

Natera, Inc.
Classification: Likely pathogenic for Zellweger syndrome. Last evaluated: 2024-04-12. Review status: criteria provided, single submitter. Criteria: Natera Variant Classification Schema (03/2026). Collection method: clinical testing. Allele origin: germline.
Comment: The c.1058T>A variant in PEX1 is a nonsense variant predicted to introduce a stop codon at amino acid 353. This variant is expected to result in nonsense mediated decay, truncation, or a dysfunctional protein product. This variant is rare in the general population with a frequency below the threshold expected for the associated phenotype(s). Given the available evidence, this variant is classified as Likely Pathogenic.